The following is an entry in ClinVar:

NM_001080466.2(BTBD17):c.471C>T (p.Tyr157=)

Gene: BTBD17 (BTB domain containing 17; minus strand). Cytogenetic location: 17q25.1.
Variant type: single nucleotide variant.
Coding change: c.471C>T on transcript NM_001080466.2 (MANE Select); coding-DNA position 471, C replaced by T.
Protein change: p.Tyr157=; no amino-acid change (tyrosine 157 retained).
Molecular consequence: synonymous variant.
Genome position (GRCh38, 1-based): chr17:74,357,623, G>A on the plus strand (C>T on the coding strand, the complement: BTBD17 is on the minus strand). VCF-style: chr17-74357623-G-A. GRCh37 (hg19) VCF-style: chr17-72353762-G-A.
Identifiers: ClinVar variation 2648217 (VCV002648217.24), dbSNP rs1470945073, ClinGen allele CA501738758.
Genomic context (GRCh38, chr17:74,357,623, plus strand): 5'-CACCGCGTAGTGGTACCAGCCCACCGCCGGGCCCGCGCCTCCCGCCAGGTGCGCGCGCAT[G>A]TAGTCGGCCACGCCGCGCTGCAGGGAGGACACGCCGTACTTGGTGGCCAGTCTGTGCAGG-3'
Protein context (NP_001073935.1, residues 147-167): VSSLQRGVAD[Tyr157=]MRAHLAGGAG

ClinVar aggregate classification (germline): Likely benign (1 of 4 stars; one submission).

Submission:

CeGaT Center for Human Genetics Tuebingen
Classification: Likely benign. Last evaluated: 2026-08-01. Review status: criteria provided, single submitter. Criteria: CeGaT Center For Human Genetics Tuebingen Variant Classification Criteria Version 2. Collection method: clinical testing. Allele origin: germline. Affected: yes. Observed: 6 variant alleles.
Comment: BTBD17: BP4, BP7